The following is an entry in ClinVar:

ClinVar aggregate classification (germline): Likely pathogenic. Review status: criteria provided, multiple submitters, no conflicts (2 of 4 stars). 3 submissions from 3 submitters: Likely pathogenic (3). Last evaluated 2023-10-31.

Conditions:
Maple syrup urine disease (MSUD). Identifiers: Orphanet 511, MedGen C0024776, MeSH D008375, MONDO:0009563. Disease mechanism: loss of function.

Allele frequency attached by ClinVar (database versions not stated): gnomAD exomes below 0.00001 and 0.00001; TOPMed below 0.00001; gnomAD 0.00001; ExAC 0.00002.
gnomAD v4.1: 5 of 1,614,064 alleles (0.00031%); highest among the groups gnomAD compares: African/African-American, 0.0013%; no homozygotes.

Submissions (3):

GeneDx
Classification: Likely pathogenic. Last evaluated: 2023-10-31. Review status: criteria provided, single submitter. Criteria: GeneDx Variant Classification Process June 2021. Collection method: clinical testing. Allele origin: germline. Affected: yes.
Comment: Not observed at significant frequency in large population cohorts (gnomAD); In silico analysis supports that this missense variant has a deleterious effect on protein structure/function; This variant is associated with the following publications: (PMID: 37421976, 29789446, 28417071, 32193832)

Baylor Genetics
Classification: Likely pathogenic for Maple syrup urine disease type 1A. Last evaluated: 2023-01-12. Review status: criteria provided, single submitter. Criteria: ACMG Guidelines, 2015. Collection method: clinical testing. Allele origin: unknown.

Labcorp Genetics (formerly Invitae), Labcorp
Classification: Likely pathogenic for Maple syrup urine disease. Last evaluated: 2022-11-12. Review status: criteria provided, single submitter. Criteria: Invitae Variant Classification Sherloc (09022015). Collection method: clinical testing. Allele origin: germline.
Comment: This missense change has been observed in individual(s) with maple syrup urine disease (PMID: 28417071, 32193832). In at least one individual the data is consistent with being in trans (on the opposite chromosome) from a pathogenic variant. ClinVar contains an entry for this variant (Variation ID: 1499283). Advanced modeling of protein sequence and biophysical properties (such as structural, functional, and spatial information, amino acid conservation, physicochemical variation, residue mobility, and thermodynamic stability) performed at Invitae indicates that this missense variant is expected to disrupt BCKDHA protein function. In summary, the currently available evidence indicates that the variant is pathogenic, but additional data are needed to prove that conclusively. Therefore, this variant has been classified as Likely Pathogenic. The frequency data for this variant in the population databases is considered unreliable, as metrics indicate poor data quality at this position in the gnomAD database. This sequence change replaces alanine, which is neutral and non-polar, with threonine, which is neutral and polar, at codon 270 of the BCKDHA protein (p.Ala270Thr).

Literature cited by the submitters: PubMed 28417071 (cited by Labcorp Genetics (formerly Invitae), Labcorp); PubMed 32193832 (cited by Labcorp Genetics (formerly Invitae), Labcorp).

NM_000709.4(BCKDHA):c.808G>A (p.Ala270Thr)

Gene: BCKDHA (branched chain keto acid dehydrogenase E1 subunit alpha; plus strand). Cytogenetic location: 19q13.2.
Variant type: single nucleotide variant.
Coding change: c.808G>A on transcript NM_000709.4 (MANE Select); coding-DNA position 808, G replaced by A.
Protein change: p.Ala270Thr; replaces alanine 270 with threonine.
Molecular consequence: missense variant.
Genome position (GRCh38, 1-based): chr19:41,422,325, G>A. VCF-style: chr19-41422325-G-A. GRCh37 (hg19) VCF-style: chr19-41928230-G-A.
Other names: c.808G>A (NM_000709.3); c.808G>A, p.Ala270Thr (NM_001164783.2); short protein forms A270T.
Identifiers: ClinVar variation 1499283 (VCV001499283.8), dbSNP rs765045050, ClinGen allele CA9461263.